The following is an entry in ClinVar:

NM_181426.2(CCDC39):c.2406+2dup

Genes: CCDC39 (coiled-coil domain 39 molecular ruler complex subunit; minus strand), TTC14 (tetratricopeptide repeat domain 14; plus strand). Cytogenetic location: 3q26.33.
Variant type: Duplication.
Coding change: c.2406+2dup on transcript NM_181426.2 (MANE Select); the canonical splice donor site of the intron after coding-DNA position 2406, one base duplicated (T; older notation c.2406+2dupT).
Molecular consequence: splice donor variant. On other transcripts: intron variant (1).
Genome position (GRCh38, 1-based): chr3:180,616,824, A duplicated on the plus strand (T on the coding strand, the reverse complement: CCDC39 is on the minus strand). VCF-style (leftmost placement, unchanged base first): chr3-180616823-T-TA. GRCh37 (hg19) VCF-style: chr3-180334611-T-TA.
Other names: c.1775-556dup (NM_001288582.2).
Identifiers: ClinVar variation 1909076 (VCV001909076.3), dbSNP rs778375693, ClinGen allele CA2715690.

ClinVar aggregate classification (germline): Uncertain significance (1 of 4 stars; one submission).

Conditions:
Primary ciliary dyskinesia. Also called: Ciliary dyskinesia. Identifiers: Orphanet 244, MedGen C0008780, MONDO:0016575, HP:0012265.

Allele frequency attached by ClinVar (database versions not stated): gnomAD exomes below 0.00001; ExAC 0.00001.

Submission:

Labcorp Genetics (formerly Invitae), Labcorp
Classification: Uncertain significance for Primary ciliary dyskinesia. Last evaluated: 2024-04-08. Review status: criteria provided, single submitter. Criteria: Invitae Variant Classification Sherloc (09022015). Collection method: clinical testing. Allele origin: germline.
Comment: This sequence change falls in intron 17 of the CCDC39 gene. It does not directly change the encoded amino acid sequence of the CCDC39 protein. It affects a nucleotide within the consensus splice site. This variant is not present in population databases (gnomAD no frequency). This variant has not been reported in the literature in individuals affected with CCDC39-related conditions. ClinVar contains an entry for this variant (Variation ID: 1909076). Variants that disrupt the consensus splice site are a relatively common cause of aberrant splicing (PMID: 17576681, 9536098). Algorithms developed to predict the effect of sequence changes on RNA splicing suggest that this variant may disrupt the consensus splice site. In summary, the available evidence is currently insufficient to determine the role of this variant in disease. Therefore, it has been classified as a Variant of Uncertain Significance.

Literature cited by the submitters: PubMed 17576681; PubMed 9536098.